The following is an entry in ClinVar:

NM_017617.5(NOTCH1):c.2779A>T (p.Asn927Tyr)

Gene: NOTCH1 (notch receptor 1; minus strand). Cytogenetic location: 9q34.3.
Variant type: single nucleotide variant.
Coding change: c.2779A>T on transcript NM_017617.5 (MANE Select); coding-DNA position 2779, A replaced by T.
Protein change: p.Asn927Tyr; replaces asparagine 927 with tyrosine.
Molecular consequence: missense variant.
Genome position (GRCh38, 1-based): chr9:136,509,923, T>A on the plus strand (A>T on the coding strand, the complement: NOTCH1 is on the minus strand). VCF-style: chr9-136509923-T-A. GRCh37 (hg19) VCF-style: chr9-139404375-T-A.
Other names: short protein forms N927Y.
Identifiers: ClinVar variation 3902991 (VCV003902991.1).

ClinVar aggregate classification (germline): Uncertain significance (1 of 4 stars; one submission).

Submission:

GeneDx
Classification: Uncertain significance. Last evaluated: 2024-12-11. Review status: criteria provided, single submitter. Criteria: GeneDx Variant Classification Process June 2021. Collection method: clinical testing. Allele origin: germline. Affected: yes.
Comment: Not observed at significant frequency in large population cohorts (gnomAD); In silico analysis supports that this missense variant has a deleterious effect on protein structure/function; Has not been previously published as pathogenic or benign to our knowledge